The following is an entry in ClinVar:

NM_000784.4(CYP27A1):c.1591del (p.Cys531fs)

Gene: CYP27A1 (cytochrome P450 family 27 subfamily A member 1; plus strand). Cytogenetic location: 2q35.
Variant type: Deletion.
Coding change: c.1591del on transcript NM_000784.4 (MANE Select); coding-DNA position 1591, one base deleted (T; older notation c.1591delT).
Protein change: p.Cys531fs; shifts the reading frame from cysteine 531.
Molecular consequence: frameshift variant.
Genome position (GRCh38, 1-based): chr2:218,815,025, T deleted. VCF-style (leftmost placement, unchanged base first): chr2-218815024-GT-G. GRCh37 (hg19) VCF-style: chr2-219679747-GT-G.
Other names: c.1591delT (NM_000784.4); short protein forms C531fs.
Identifiers: ClinVar variation 553613 (VCV000553613.7), dbSNP rs755723759, ClinGen allele CA2112948.

ClinVar aggregate classification (germline): Uncertain significance. Review status: criteria provided, multiple submitters, no conflicts (2 of 4 stars). 4 submissions from 4 submitters: Uncertain significance (3). 1 of the submissions does not count toward it. Last evaluated 2025-08-29.

Conditions:
Cardiovascular phenotype. Identifiers: MedGen CN230736.
Cholestanol storage disease (CTX). Also called: CEREBRAL CHOLESTERINOSIS; Cerebrotendinous Xanthomatosis; CTX: Cerebrotendinous xanthomatosis. Identifiers: Orphanet 909, MedGen C0238052, MONDO:0008948, OMIM 213700.

Allele frequency attached by ClinVar (database versions not stated): gnomAD 0.00001; gnomAD exomes 0.00001 and 0.00003; TOPMed 0.00001; ExAC 0.00003.

Submissions (4):

Women's Health and Genetics/Laboratory Corporation of America, LabCorp
Classification: Uncertain significance. Last evaluated: 2025-08-29. Review status: criteria provided, single submitter. Criteria: LabCorp Variant Classification Summary - May 2015. Collection method: clinical testing. Allele origin: germline.
Comment: Variant summary: CYP27A1 c.1591delT (p.Cys531AlafsX59) causes a frameshift which results in an extension of the protein. The variant allele was found at a frequency of 2.8e-05 in 251450 control chromosomes in the gnomAD database, including 1 homozygote. The available data on variant occurrences in the general population are insufficient to allow any conclusion about variant significance. c.1591delT has been observed in an individual within a cohort of newborns small for gestational age (e.g., Zhang_2023). This report does not provide unequivocal conclusions about association of the variant with Cerebrotendinous Xanthomatosis. To our knowledge, no experimental evidence demonstrating an impact on protein function has been reported. The following publication has been ascertained in the context of this evaluation (PMID: 37147621). ClinVar contains an entry for this variant (Variation ID: 553613). Based on the evidence outlined above, the variant was classified as uncertain significance.

Ambry Genetics
Classification: Uncertain significance for Cardiovascular phenotype. Last evaluated: 2023-03-21. Review status: criteria provided, single submitter. Criteria: Ambry Variant Classification Scheme 2023. Collection method: clinical testing. Allele origin: germline.
Comment: Not expected to trigger nonsense-mediated mRNA decay Based on insufficient or conflicting evidence, the clinical significance of this alteration remains unclear.

Labcorp Genetics (formerly Invitae), Labcorp
Classification: Uncertain significance for Cholestanol storage disease. Last evaluated: 2022-07-14. Review status: criteria provided, single submitter. Criteria: Invitae Variant Classification Sherloc (09022015). Collection method: clinical testing. Allele origin: germline.
Comment: This sequence change results in a frameshift in the CYP27A1 gene (p.Cys531Alafs*59). While this is not anticipated to result in nonsense mediated decay, it is expected to disrupt the last 1 amino acid(s) of the CYP27A1 protein and extend the protein by 57 additional amino acid residues. This variant is present in population databases (rs755723759, gnomAD 0.04%), including at least one homozygous and/or hemizygous individual. This variant has not been reported in the literature in individuals affected with CYP27A1-related conditions. ClinVar contains an entry for this variant (Variation ID: 553613). In summary, the available evidence is currently insufficient to determine the role of this variant in disease. Therefore, it has been classified as a Variant of Uncertain Significance.

Counsyl
Classification: Uncertain significance for Cholestanol storage disease. Last evaluated: 2017-08-31. Review status: no assertion criteria provided. Collection method: clinical testing. Allele origin: unknown. Not counted in ClinVar's aggregate classification.

Literature cited by the submitters: PubMed 37147621 (cited by Women's Health and Genetics/Laboratory Corporation of America, LabCorp).